The following is an entry in ClinVar:

ClinVar aggregate classification (germline): Benign (1 of 4 stars; one submission).

Conditions:
Melanoma-pancreatic cancer syndrome. Identifiers: Orphanet 404560, MedGen C1838547, MONDO:0011713, OMIM 606719. Disease mechanism: loss of function.

Submission:

Myriad Genetics, Inc.
Classification: Benign for Melanoma-pancreatic cancer syndrome. Last evaluated: 2025-08-20. Review status: criteria provided, single submitter. Criteria: Myriad Autosomal Dominant, Autosomal Recessive and X-Linked Classification Criteria (2023). Collection method: clinical testing. Allele origin: unknown.
Comment: This variant is considered benign. This variant occurs in the non-coding 3' untranslated region of the gene, and is not expected to impact protein function.

NM_000077.5(CDKN2A):c.*4A>G

Gene: CDKN2A (cyclin dependent kinase inhibitor 2A; minus strand). Cytogenetic location: 9p21.3.
Variant type: single nucleotide variant.
Coding change: c.*4A>G on transcript NM_000077.5; 4 bases downstream of the stop codon, A replaced by G.
Molecular consequence: 3 prime UTR variant (on NM_001195132.2).
Genome position (GRCh38, 1-based): chr9:21,968,225, T>C on the plus strand (A>G on the coding strand, the complement: CDKN2A is on the minus strand). VCF-style: chr9-21968225-T-C. GRCh37 (hg19) VCF-style: chr9-21968224-T-C.
Other names: c.*4A>G (NM_000077.6, NM_001363763.2); c.*168A>G (NM_001195132.2); c.*119A>G (NM_058195.4); c.*398A>G (NM_058197.5).
Identifiers: ClinVar variation 4294297 (VCV004294297.1).